The following is an entry in ClinVar:

ClinVar aggregate classification (germline): Uncertain significance. Review status: criteria provided, multiple submitters, no conflicts (2 of 4 stars). 2 submissions from 2 submitters: Uncertain significance (2). Last evaluated 2025-07-27.

Conditions:
Inborn genetic diseases. Identifiers: MedGen C0950123, MeSH D030342.

Allele frequency attached by ClinVar (database versions not stated): gnomAD exomes 0.00002; TOPMed 0.00003; ExAC 0.00002; gnomAD 0.00002.
gnomAD v4.1: 37 of 1,613,948 alleles (0.0023%); highest among the groups gnomAD compares: African/African-American, 0.0027%; no homozygotes.

Submissions (2):

Labcorp Genetics (formerly Invitae), Labcorp
Classification: Uncertain significance. Last evaluated: 2025-07-27. Review status: criteria provided, single submitter. Criteria: Invitae Variant Classification Sherloc (09022015). Collection method: clinical testing. Allele origin: germline.
Comment: This sequence change replaces aspartic acid, which is acidic and polar, with asparagine, which is neutral and polar, at codon 150 of the ARL3 protein (p.Asp150Asn). This variant is present in population databases (rs777705334, gnomAD 0.02%). This variant has not been reported in the literature in individuals affected with ARL3-related conditions. ClinVar contains an entry for this variant (Variation ID: 2967655). An algorithm developed to predict the effect of missense changes on protein structure and function (PolyPhen-2) suggests that this variant is likely to be disruptive. In summary, the available evidence is currently insufficient to determine the role of this variant in disease. Therefore, it has been classified as a Variant of Uncertain Significance.

Ambry Genetics
Classification: Uncertain significance for Inborn genetic diseases. Last evaluated: 2024-07-02. Review status: criteria provided, single submitter. Criteria: Ambry Variant Classification Scheme 2023. Collection method: clinical testing. Allele origin: germline.

NM_004311.4(ARL3):c.448G>A (p.Asp150Asn)

Gene: ARL3 (ARF like GTPase 3; minus strand). Cytogenetic location: 10q24.32.
Variant type: single nucleotide variant.
Coding change: c.448G>A on transcript NM_004311.4 (MANE Select); coding-DNA position 448, G replaced by A.
Protein change: p.Asp150Asn; replaces aspartic acid 150 with asparagine.
Molecular consequence: missense variant.
Genome position (GRCh38, 1-based): chr10:102,685,869, C>T on the plus strand (G>A on the coding strand, the complement: ARL3 is on the minus strand). VCF-style: chr10-102685869-C-T. GRCh37 (hg19) VCF-style: chr10-104445626-C-T.
Other names: c.448G>A (NM_004311.3); short protein forms D150N.
Identifiers: ClinVar variation 2967655 (VCV002967655.4), dbSNP rs777705334, ClinGen allele CA5668426.